The following is an entry in ClinVar:

ClinVar aggregate classification (germline): Conflicting classifications of pathogenicity. Review status: criteria provided, conflicting classifications (1 of 4 stars). 2 submissions from 2 submitters: Uncertain significance (1); Likely benign (1). Last evaluated 2024-12-12.

Conditions:
Inborn genetic diseases. Identifiers: MedGen C0950123, MeSH D030342.

gnomAD v4.1: 27 of 1,613,334 alleles (0.0017%); highest among the groups gnomAD compares: Non-Finnish European, 0.002%; no homozygotes.

Submissions (2):

Ambry Genetics
Classification: Uncertain significance for Inborn genetic diseases. Last evaluated: 2024-12-12. Review status: criteria provided, single submitter. Criteria: Ambry Variant Classification Scheme 2023. Collection method: clinical testing. Allele origin: germline.

CeGaT Center for Human Genetics Tuebingen
Classification: Likely benign. Last evaluated: 2024-11-01. Review status: criteria provided, single submitter. Criteria: CeGaT Center For Human Genetics Tuebingen Variant Classification Criteria Version 2. Collection method: clinical testing. Allele origin: germline. Affected: yes. Observed: 1 variant allele.
Comment: TNRC6B: BP4

NM_001162501.2(TNRC6B):c.2555G>A (p.Arg852Gln)

Gene: TNRC6B (trinucleotide repeat containing adaptor 6B; plus strand). Cytogenetic location: 22q13.1.
Variant type: single nucleotide variant.
Coding change: c.2555G>A on transcript NM_001162501.2 (MANE Select); coding-DNA position 2555, G replaced by A.
Protein change: p.Arg852Gln; replaces arginine 852 with glutamine.
Molecular consequence: missense variant. On other transcripts: intron variant (1).
Genome position (GRCh38, 1-based): chr22:40,266,785, G>A. VCF-style: chr22-40266785-G-A. GRCh37 (hg19) VCF-style: chr22-40662789-G-A.
Other names: c.2555G>A, p.Arg852Gln (NM_015088.3); c.566-3337G>A (NM_001024843.2); c.2555G>A (NM_001162501.1); short protein forms R852Q.
Identifiers: ClinVar variation 3388758 (VCV003388758.15).
Genomic context (GRCh38, chr22:40,266,785, plus strand): 5'-CACAACCAGAGGCTTCTGGTTCGTGGGGAGGCCCACCCCCACCACCTCCAGGCAACGTTC[G>A]ACCTTCCAATTCCAGCTGGAGCAGCGGGCCACAGCCTGCAACACCTAAGGATGAGGAACC-3'
Protein context (NP_001155973.1, residues 842-862): GPPPPPPGNV[Arg852Gln]PSNSSWSSGP